The following is an entry in ClinVar:

NC_000008.11:g.(?_99384188)_(99721067_?)del

Genes: MIR599 (microRNA 599; minus strand), MIR875 (microRNA 875; minus strand), VPS13B (vacuolar protein sorting 13 homolog B; plus strand), LOC110120801 (VISTA enhancer hs909; plus strand). Cytogenetic location: 8q22.2.
Variant type: Deletion.
Identifiers: ClinVar variation 3245444 (VCV003245444.1).

ClinVar aggregate classification (germline): Pathogenic (1 of 4 stars; one submission).

Conditions:
Cohen syndrome (COH1). Also called: Cutis verticis gyrata, retinitis pigmentosa, and sensorineural deafness; PEPPER SYNDROME. Identifiers: Orphanet 193, MedGen C0265223, MONDO:0008999, OMIM 216550.

Submission:

Labcorp Genetics (formerly Invitae), Labcorp
Classification: Pathogenic for Cohen syndrome. Last evaluated: 2023-06-20. Review status: criteria provided, single submitter. Criteria: Invitae Variant Classification Sherloc (09022015). Collection method: clinical testing. Allele origin: unknown.
Comment: For these reasons, this variant has been classified as Pathogenic. A similar copy number variant has been observed in individual(s) with clinical features of Cohen syndrome (Invitae). This variant is a gross deletion of the genomic region encompassing exon(s) 20-39 of the VPS13B gene. This deletion is out-of-frame, and is expected to create a premature termination codon and result in an absent or disrupted protein product. Loss-of-function variants in VPS13B are known to be pathogenic (PMID: 15141358, 16648375, 20461111).

Literature cited by the submitters: PubMed 15141358; PubMed 16648375; PubMed 20461111.